The following is an entry in ClinVar:

ClinVar aggregate classification (germline): Conflicting classifications of pathogenicity. Review status: criteria provided, conflicting classifications (1 of 4 stars). 3 submissions from 3 submitters: Uncertain significance (2); Likely benign (1). Last evaluated 2025-07-25.

Conditions:
Hereditary cancer-predisposing syndrome. Also called: Tumor predisposition; Hereditary neoplastic syndrome; Neoplastic Syndromes, Hereditary; Hereditary Cancer Syndrome. Identifiers: Orphanet 140162, MedGen C0027672, MeSH D009386, MONDO:0015356.
Familial cancer of breast. Also called: hereditary breast carcinoma; Hereditary breast cancer; BREAST CANCER, FAMILIAL. Identifiers: Orphanet 227535, MedGen C0346153, MONDO:0016419, OMIM 114480. Disease mechanism: loss of function.
Hereditary breast ovarian cancer syndrome. Also called: Hereditary breast and ovarian cancer syndrome (HBOC); Breast and ovarian cancer; BRCA1- and BRCA2-Associated Hereditary Breast and Ovarian Cancer; Hereditary breast and/or ovarian cancer syndrome; Hereditary breast and ovarian cancer syndrome; Hereditary breast and ovarian cancer. Identifiers: Orphanet 145, MedGen C0677776, MeSH D061325, MONDO:0003582. Disease mechanism: loss of function.

Allele frequency attached by ClinVar (database versions not stated): gnomAD exomes below 0.00001 and 0.00001; TOPMed below 0.00001; gnomAD 0.00001.
gnomAD v4.1: 2 of 1,614,074 alleles (0.00012%); highest among the groups gnomAD compares: African/African-American, 0.0013%; no homozygotes.

Submissions (3):

Labcorp Genetics (formerly Invitae), Labcorp
Classification: Uncertain significance for Hereditary breast ovarian cancer syndrome. Last evaluated: 2025-07-25. Review status: criteria provided, single submitter. Criteria: Invitae Variant Classification Sherloc (09022015). Collection method: clinical testing. Allele origin: germline.
Comment: This sequence change replaces serine, which is neutral and polar, with glycine, which is neutral and non-polar, at codon 3336 of the BRCA2 protein (p.Ser3336Gly). This variant is present in population databases (no rsID available, gnomAD 0.007%). This variant has not been reported in the literature in individuals affected with BRCA2-related conditions. ClinVar contains an entry for this variant (Variation ID: 818241). Invitae Evidence Modeling of protein sequence and biophysical properties (such as structural, functional, and spatial information, amino acid conservation, physicochemical variation, residue mobility, and thermodynamic stability) indicates that this missense variant is not expected to disrupt BRCA2 protein function with a negative predictive value of 95%. RNA analysis performed to evaluate the impact of this missense change on mRNA splicing indicates it does not significantly alter splicing (internal data). In summary, the available evidence is currently insufficient to determine the role of this variant in disease. Therefore, it has been classified as a Variant of Uncertain Significance.

Ambry Genetics
Classification: Likely benign for Hereditary cancer-predisposing syndrome. Last evaluated: 2024-05-03. Review status: criteria provided, single submitter. Criteria: Ambry Variant Classification Scheme 2023. Collection method: clinical testing. Allele origin: germline.

Baylor Genetics
Classification: Uncertain significance for Familial cancer of breast. Last evaluated: 2024-03-03. Review status: criteria provided, single submitter. Criteria: ACMG Guidelines, 2015. Collection method: clinical testing. Allele origin: unknown.

NM_000059.4(BRCA2):c.10006A>G (p.Ser3336Gly)

Gene: BRCA2 (BRCA2 DNA repair associated; plus strand). Cytogenetic location: 13q13.1.
Variant type: single nucleotide variant.
Coding change: c.10006A>G on transcript NM_000059.4 (MANE Select); coding-DNA position 10006, A replaced by G.
Protein change: p.Ser3336Gly; replaces serine 3336 with glycine.
Molecular consequence: missense variant.
Genome position (GRCh38, 1-based): chr13:32,398,519, A>G. VCF-style: chr13-32398519-A-G. GRCh37 (hg19) VCF-style: chr13-32972656-A-G.
Other names: short protein forms S3336G.
Identifiers: ClinVar variation 818241 (VCV000818241.14), dbSNP rs1311718055, ClinGen allele CA387767687.